The following is an entry in ClinVar:

NM_006915.3(RP2):c.87G>A (p.Trp29Ter)

Gene: RP2 (RP2 activator of ARL3 GTPase; plus strand). Cytogenetic location: Xp11.3.
Variant type: single nucleotide variant.
Coding change: c.87G>A on transcript NM_006915.3 (MANE Select); coding-DNA position 87, G replaced by A.
Protein change: p.Trp29Ter; replaces tryptophan 29 with a stop codon.
Molecular consequence: nonsense.
Genome position (GRCh38, 1-based): chrX:46,837,187, G>A. VCF-style: chrX-46837187-G-A. GRCh37 (hg19) VCF-style: chrX-46696622-G-A.
Other names: short protein forms W29*.
Identifiers: ClinVar variation 1456308 (VCV001456308.7), dbSNP rs2147074689, ClinGen allele CA413038343.

ClinVar aggregate classification (germline): Pathogenic/Likely pathogenic. Review status: criteria provided, multiple submitters, no conflicts (2 of 4 stars). 2 submissions from 2 submitters: Pathogenic (1); Likely pathogenic (1). Last evaluated 2023-10-01.

Conditions:
Retinal dystrophy. Also called: Inherited retinal dystrophy. Identifiers: Orphanet 71862, MedGen C0854723, MeSH D058499, MONDO:0019118, HP:0000556.

Submissions (2):

Dept Of Ophthalmology, Nagoya University
Classification: Likely pathogenic for Retinal dystrophy. Last evaluated: 2023-10-01. Review status: criteria provided, single submitter. Criteria: Submitter's publication. Collection method: research. Allele origin: germline. Affected: yes.

Labcorp Genetics (formerly Invitae), Labcorp
Classification: Pathogenic. Last evaluated: 2021-06-15. Review status: criteria provided, single submitter. Criteria: Invitae Variant Classification Sherloc (09022015). Collection method: clinical testing. Allele origin: germline.
Comment: This sequence change creates a premature translational stop signal (p.Trp29*) in the RP2 gene. It is expected to result in an absent or disrupted protein product. Loss-of-function variants in RP2 are known to be pathogenic (PMID: 11992260, 20625056). This variant is not present in population databases (ExAC no frequency). This variant has not been reported in the literature in individuals with RP2-related conditions. For these reasons, this variant has been classified as Pathogenic.

Literature cited by the submitters: PubMed 11992260 (cited by Labcorp Genetics (formerly Invitae), Labcorp); PubMed 20625056 (cited by Labcorp Genetics (formerly Invitae), Labcorp).